The following is an entry in ClinVar:

NM_000726.5(CACNB4):c.45G>A (p.Pro15=)

Genes: CACNB4 (calcium voltage-gated channel auxiliary subunit beta 4; minus strand), LOC129934925 (ATAC-STARR-seq lymphoblastoid silent region 12010; plus strand). Cytogenetic location: 2q23.3.
Variant type: single nucleotide variant.
Coding change: c.45G>A on transcript NM_000726.5 (MANE Select); coding-DNA position 45, G replaced by A.
Protein change: p.Pro15=; no amino-acid change (proline 15 retained).
Molecular consequence: synonymous variant.
Genome position (GRCh38, 1-based): chr2:152,098,967, C>T on the plus strand (G>A on the coding strand, the complement: CACNB4 is on the minus strand). VCF-style: chr2-152098967-C-T. GRCh37 (hg19) VCF-style: chr2-152955481-C-T.
Other names: p.P15P:CCG>CCA; c.45G>A, p.Pro15= (NM_001145798.3).
Identifiers: ClinVar variation 204923 (VCV000204923.11), dbSNP rs536646578, ClinGen allele CA313374.

ClinVar aggregate classification (germline): Benign/Likely benign. Review status: criteria provided, multiple submitters, no conflicts (2 of 4 stars). 2 submissions from 2 submitters: Benign (1); Likely benign (1). Last evaluated 2022-08-09.

Conditions:
Idiopathic generalized epilepsy. Also called: EIG; Generalised epilepsy. Identifiers: MedGen C0270850, MONDO:0005579, OMIM 600669.

Allele frequency attached by ClinVar (database versions not stated): gnomAD below 0.00001 and 0.00004; TOPMed below 0.00001; gnomAD exomes 0.00005 and 0.00018; 1000 Genomes Project 30x 0.00016; 1000 Genomes Project 0.00020; ExAC 0.00050.
gnomAD v4.1: 85 of 1,525,094 alleles (0.0056%); highest among the groups gnomAD compares: South Asian, 0.093%; no homozygotes.

Submissions (2):

Labcorp Genetics (formerly Invitae), Labcorp
Classification: Likely benign for Idiopathic generalized epilepsy. Last evaluated: 2022-08-09. Review status: criteria provided, single submitter. Criteria: Invitae Variant Classification Sherloc (09022015). Collection method: clinical testing. Allele origin: germline.

GeneDx
Classification: Benign. Last evaluated: 2014-10-03. Review status: criteria provided, single submitter. Criteria: GeneDx Variant Classification (06012015). Collection method: clinical testing. Allele origin: germline. Affected: yes.
Comment: This variant is considered likely benign or benign based on one or more of the following criteria: it is a conservative change, it occurs at a poorly conserved position in the protein, it is predicted to be benign by multiple in silico algorithms, and/or has population frequency not consistent with disease.